The following is an entry in ClinVar:

NM_000089.4(COL1A2):c.1711G>A (p.Gly571Arg)

Gene: COL1A2 (collagen type I alpha 2 chain; plus strand). Cytogenetic location: 7q21.3.
Variant type: single nucleotide variant.
Coding change: c.1711G>A on transcript NM_000089.4 (MANE Select); coding-DNA position 1711, G replaced by A.
Protein change: p.Gly571Arg; replaces glycine 571 with arginine.
Molecular consequence: missense variant.
Genome position (GRCh38, 1-based): chr7:94,414,267, G>A. VCF-style: chr7-94414267-G-A. GRCh37 (hg19) VCF-style: chr7-94043579-G-A.
Other names: short protein forms G571R.
Identifiers: ClinVar variation 4887816 (VCV004887816.1).

ClinVar aggregate classification (germline): Pathogenic (1 of 4 stars; one submission).

Submission:

GeneDx
Classification: Pathogenic. Last evaluated: 2026-02-09. Review status: criteria provided, single submitter. Criteria: GeneDx Variant Classification Process June 2021. Collection method: clinical testing. Allele origin: germline.
Comment: Occurs in the triple helical domain and replaces a glycine in a canonical Gly-X-Y repeat; missense substitution of a canonical glycine residue is expected to disrupt normal protein folding and function, and this is an established mechanism of disease (PMID: 34007986); Not observed at significant frequency in large population cohorts (gnomAD); In silico analysis supports that this missense variant has a deleterious effect on protein structure/function; This variant is associated with the following publications: (PMID: 25525159, 11317364, 20087402, 40070560, 34007986)